The following is an entry in ClinVar:

ClinVar aggregate classification (germline): Uncertain significance. Review status: criteria provided, multiple submitters, no conflicts (2 of 4 stars). 5 submissions from 5 submitters: Uncertain significance (5). Last evaluated 2025-12-07.

Conditions:
Hereditary cancer-predisposing syndrome. Also called: Hereditary Cancer Syndrome; Neoplastic Syndromes, Hereditary; Tumor predisposition; Hereditary neoplastic syndrome. Identifiers: Orphanet 140162, MedGen C0027672, MeSH D009386, MONDO:0015356.
Familial adenomatous polyposis 1 (FAP1). Also called: POLYPOSIS, ADENOMATOUS INTESTINAL; FAMILIAL ADENOMATOUS POLYPOSIS 1, ATTENUATED. Identifiers: MedGen C2713442, MONDO:0021056, OMIM 175100. Disease mechanism: loss of function.
Classic or attenuated familial adenomatous polyposis. Identifiers: MedGen CN372698, MONDO:0021057.

Allele frequency attached by ClinVar (database versions not stated): gnomAD 0.00001; gnomAD exomes 0.00001; TOPMed 0.00001.
gnomAD v4.1: 3 of 1,612,296 alleles (0.00019%); highest among the groups gnomAD compares: Admixed American, 0.0017%; no homozygotes.

Submissions (5):

Ambry Genetics
Classification: Uncertain significance for Hereditary cancer-predisposing syndrome. Last evaluated: 2025-12-07. Review status: criteria provided, single submitter. Criteria: Ambry Variant Classification Scheme 2023. Collection method: clinical testing. Allele origin: germline.
Comment: The p.P441T variant (also known as c.1321C>A), located in coding exon 10 of the APC gene, results from a C to A substitution at nucleotide position 1321. The proline at codon 441 is replaced by threonine, an amino acid with highly similar properties. This alteration was observed in a Japanese population cohort of 2049 individuals who underwent whole-genome sequencing (Yamaguchi-Kabata Y et al. J Hum Genet, 2018 Feb;63:213-230). This amino acid position is highly conserved in available vertebrate species. In addition, in silico predictors for this gene do not accurately predict pathogenicity. Since supporting evidence is limited at this time, the clinical significance of this alteration remains unclear.

Labcorp Genetics (formerly Invitae), Labcorp
Classification: Uncertain significance for Familial adenomatous polyposis 1. Last evaluated: 2025-05-30. Review status: criteria provided, single submitter. Criteria: Invitae Variant Classification Sherloc (09022015). Collection method: clinical testing. Allele origin: germline.
Comment: This sequence change replaces proline, which is neutral and non-polar, with threonine, which is neutral and polar, at codon 441 of the APC protein (p.Pro441Thr). This variant is present in population databases (no rsID available, gnomAD 0.003%). This variant has not been reported in the literature in individuals affected with APC-related conditions. ClinVar contains an entry for this variant (Variation ID: 490192). Invitae Evidence Modeling of protein sequence and biophysical properties (such as structural, functional, and spatial information, amino acid conservation, physicochemical variation, residue mobility, and thermodynamic stability) indicates that this missense variant is not expected to disrupt APC protein function with a negative predictive value of 95%. In summary, the available evidence is currently insufficient to determine the role of this variant in disease. Therefore, it has been classified as a Variant of Uncertain Significance.

All of Us Research Program, National Institutes of Health
Classification: Uncertain significance for Classic or attenuated familial adenomatous polyposis. Last evaluated: 2023-07-07. Review status: criteria provided, single submitter. Criteria: ACMG Guidelines, 2015. Collection method: clinical testing. Allele origin: germline. Inheritance: Autosomal dominant inheritance. Observed: 1 variant allele, 1 heterozygote.
Comment: This missense variant replaces proline with threonine at codon 441 of the APC protein. Computational prediction is inconclusive regarding the impact of this variant on protein structure and function (internally defined REVEL score threshold 0.5 < inconclusive < 0.7, PMID: 27666373). To our knowledge, functional studies have not been reported for this variant. This variant has not been reported in individuals affected with hereditary cancer in the literature. This variant has been identified in 2/250546 chromosomes in the general population by the Genome Aggregation Database (gnomAD). The available evidence is insufficient to determine the role of this variant in disease conclusively. Therefore, this variant is classified as a Variant of Uncertain Significance.

This study involves interpretation of variants in research participants for the purpose of population health screening. Participant phenotype was not available at the time of variant classification. Additional details can be found in publication PMID: 35346344, PMCID: PMC8962531

Color Diagnostics, LLC DBA Color Health
Classification: Uncertain significance for Hereditary cancer-predisposing syndrome. Last evaluated: 2021-05-03. Review status: criteria provided, single submitter. Criteria: ACMG Guidelines, 2015. Collection method: clinical testing. Allele origin: germline.
Comment: This missense variant replaces proline with threonine at codon 441 of the APC protein. Computational prediction is inconclusive regarding the impact of this variant on protein structure and function (internally defined REVEL score threshold 0.5 < inconclusive < 0.7, PMID: 27666373). To our knowledge, functional studies have not been reported for this variant. This variant has not been reported in individuals affected with hereditary cancer in the literature. This variant has been identified in 2/250546 chromosomes in the general population by the Genome Aggregation Database (gnomAD). The available evidence is insufficient to determine the role of this variant in disease conclusively. Therefore, this variant is classified as a Variant of Uncertain Significance.

Women's Health and Genetics/Laboratory Corporation of America, LabCorp
Classification: Uncertain significance. Last evaluated: 2019-08-23. Review status: criteria provided, single submitter. Criteria: LabCorp Variant Classification Summary - May 2015. Collection method: clinical testing. Allele origin: germline.
Comment: Variant summary: APC c.1321C>A (p.Pro441Thr) results in a non-conservative amino acid change located in the Adenomatous polyposis coli (APC) repeat domain (IPR041257) of the encoded protein sequence. Four of five in-silico tools predict a damaging effect of the variant on protein function. The variant allele was found at a frequency of 8e-06 in 250546 control chromosomes. The available data on variant occurrences in the general population are insufficient to allow any conclusion about variant significance. To our knowledge, no occurrence of c.1321C>A in individuals affected with Familial Adenomatous Polyposis and no experimental evidence demonstrating its impact on protein function have been reported. Two clinical diagnostic laboratories have submitted clinical-significance assessments for this variant to ClinVar after 2014 without evidence for independent evaluation. All laboratories classified the variant as uncertain significance. Based on the evidence outlined above, the variant was classified as uncertain significance.

Literature cited by the submitters: PubMed 29192238 (cited by Ambry Genetics).

NM_000038.6(APC):c.1321C>A (p.Pro441Thr)

Gene: APC (APC regulator of Wnt signaling pathway; plus strand). Cytogenetic location: 5q22.2.
Variant type: single nucleotide variant.
Coding change: c.1321C>A on transcript NM_000038.6 (MANE Select); coding-DNA position 1321, C replaced by A.
Protein change: p.Pro441Thr; replaces proline 441 with threonine.
Molecular consequence: missense variant.
Genome position (GRCh38, 1-based): chr5:112,821,904, C>A. VCF-style: chr5-112821904-C-A. GRCh37 (hg19) VCF-style: chr5-112157601-C-A.
Other names: c.1321C>A, p.Pro441Thr (NM_001127510.3, NM_001354895.2, NM_001354896.2); c.1267C>A, p.Pro423Thr (NM_001127511.3); c.1351C>A, p.Pro451Thr (NM_001354897.2); c.1246C>A, p.Pro416Thr (NM_001354898.2); c.1237C>A, p.Pro413Thr (NM_001354899.2); c.1144C>A, p.Pro382Thr (NM_001354900.2, NM_001354901.2); c.1048C>A, p.Pro350Thr (NM_001354902.2); c.1018C>A, p.Pro340Thr (NM_001354903.2); and 3 more; short protein forms P423T, P441T, P315T, P158T, P340T, P382T, P413T, P281T.
Identifiers: ClinVar variation 490192 (VCV000490192.19), dbSNP rs1444245614, ClinGen allele CA16024197.